The following is an entry in ClinVar:

NM_018245.3(OGDHL):c.2689G>A (p.Asp897Asn)

Gene: OGDHL (oxoglutarate dehydrogenase L; minus strand). Cytogenetic location: 10q11.23.
Variant type: single nucleotide variant.
Coding change: c.2689G>A on transcript NM_018245.3 (MANE Select); coding-DNA position 2689, G replaced by A.
Protein change: p.Asp897Asn; replaces aspartic acid 897 with asparagine.
Molecular consequence: missense variant. On other transcripts: non-coding transcript variant (5).
Genome position (GRCh38, 1-based): chr10:49,736,422, C>T on the plus strand (G>A on the coding strand, the complement: OGDHL is on the minus strand). VCF-style: chr10-49736422-C-T. GRCh37 (hg19) VCF-style: chr10-50944468-C-T.
Other names: c.2518G>A, p.Asp840Asn (NM_001143996.2, NM_001347820.1); c.2062G>A, p.Asp688Asn (NM_001143997.2, NM_001347821.2, NM_001347822.1); c.2689G>A, p.Asp897Asn (NM_001347819.1); c.2509G>A, p.Asp837Asn (NM_001347823.1, NM_001347824.2); c.1882G>A, p.Asp628Asn (NM_001347825.2); c.1492G>A, p.Asp498Asn (NM_001347826.1); short protein forms D498N, D628N, D688N, D837N, D840N, D897N.
Identifiers: ClinVar variation 4056860 (VCV004056860.2).

ClinVar aggregate classification (germline): Uncertain significance (1 of 4 stars; one submission).

gnomAD v4.1: 305 of 1,614,146 alleles (0.019%); highest among the groups gnomAD compares: African/African-American, 0.36%; no homozygotes.

Submission:

GeneDx
Classification: Uncertain significance. Last evaluated: 2026-06-16. Review status: criteria provided, single submitter. Criteria: GeneDx Variant Classification Process June 2021. Collection method: clinical testing. Allele origin: germline.
Comment: In silico analysis supports that this missense variant has a deleterious effect on protein structure/function; Has not been previously published as pathogenic or benign to our knowledge